The following is an entry in ClinVar:

ClinVar aggregate classification (germline): Conflicting classifications of pathogenicity. Review status: criteria provided, conflicting classifications (1 of 4 stars). 3 submissions from 3 submitters: Uncertain significance (2); Likely benign (1). Last evaluated 2025-07-09.

Conditions:
Cardiovascular phenotype. Identifiers: MedGen CN230736.
Long QT syndrome (LQTS). Identifiers: MedGen C0023976, MeSH D008133, MONDO:0002442. Disease mechanism: loss of function. Inheritance: Various modes of inheritance.
Long QT syndrome 11 (LQT11). Identifiers: Orphanet 101016, Orphanet 768, MedGen C2678483, MONDO:0012738, OMIM 611820.

Allele frequency attached by ClinVar (database versions not stated): gnomAD 0.00001; gnomAD exomes 0.00001; TOPMed 0.00001; ExAC 0.00002; ESP Exome Variant Server 0.00008.

Submissions (3):

Ambry Genetics
Classification: Likely benign for Cardiovascular phenotype. Last evaluated: 2025-07-09. Review status: criteria provided, single submitter. Criteria: Ambry Variant Classification Scheme 2023. Collection method: clinical testing. Allele origin: germline.

Labcorp Genetics (formerly Invitae), Labcorp
Classification: Uncertain significance for Long QT syndrome. Last evaluated: 2023-09-12. Review status: criteria provided, single submitter. Criteria: Invitae Variant Classification Sherloc (09022015). Collection method: clinical testing. Allele origin: germline.
Comment: This sequence change replaces isoleucine, which is neutral and non-polar, with threonine, which is neutral and polar, at codon 3548 of the AKAP9 protein (p.Ile3548Thr). This variant is present in population databases (rs146186205, gnomAD 0.002%). This variant has not been reported in the literature in individuals affected with AKAP9-related conditions. ClinVar contains an entry for this variant (Variation ID: 1426673). An algorithm developed to predict the effect of missense changes on protein structure and function (PolyPhen-2) suggests that this variant is likely to be tolerated. In summary, the available evidence is currently insufficient to determine the role of this variant in disease. Therefore, it has been classified as a Variant of Uncertain Significance.

Fulgent Genetics
Classification: Uncertain significance for Long QT syndrome 11. Last evaluated: 2022-02-03. Review status: criteria provided, single submitter. Criteria: ACMG Guidelines, 2015. Collection method: clinical testing. Allele origin: unknown.

NM_005751.5(AKAP9):c.10643T>C (p.Ile3548Thr)

Gene: AKAP9 (A-kinase anchoring protein 9; plus strand). Cytogenetic location: 7q21.2.
Variant type: single nucleotide variant.
Coding change: c.10643T>C on transcript NM_005751.5 (MANE Select); coding-DNA position 10643, T replaced by C.
Protein change: p.Ile3548Thr; replaces isoleucine 3548 with threonine.
Molecular consequence: missense variant.
Genome position (GRCh38, 1-based): chr7:92,098,144, T>C. VCF-style: chr7-92098144-T-C. GRCh37 (hg19) VCF-style: chr7-91727458-T-C.
Other names: c.5288T>C, p.Ile1763Thr (NM_001379277.1); c.10619T>C, p.Ile3540Thr (NM_147185.3); c.10643T>C (NM_005751.4); short protein forms I3548T, I3540T, I1763T.
Identifiers: ClinVar variation 1426673 (VCV001426673.10), dbSNP rs146186205, ClinGen allele CA4337993.
Genomic context (GRCh38, chr7:92,098,144, plus strand): 5'-TTGACTTTTTGTCTTTTTCTTGAAGACTACAGTTTGAAACAGCAGATGATGAAGATTTCA[T>C]TTGGGTTCAGGAAAATATTGATGAAATTATTTTACAACTACAGAAATTAACTGGCCAGCA-3'
Protein context (NP_005742.4, residues 3538-3558): QFETADDEDF[Ile3548Thr]WVQENIDEII